The following is an entry in ClinVar:

NM_000836.4(GRIN2D):c.2549A>C (p.Tyr850Ser)

Gene: GRIN2D (glutamate ionotropic receptor NMDA type subunit 2D; plus strand). Cytogenetic location: 19q13.33.
Variant type: single nucleotide variant.
Coding change: c.2549A>C on transcript NM_000836.4 (MANE Select); coding-DNA position 2549, A replaced by C.
Protein change: p.Tyr850Ser; replaces tyrosine 850 with serine.
Molecular consequence: missense variant.
Genome position (GRCh38, 1-based): chr19:48,442,258, A>C. VCF-style: chr19-48442258-A-C. GRCh37 (hg19) VCF-style: chr19-48945515-A-C.
Other names: short protein forms Y850S.
Identifiers: ClinVar variation 1721111 (VCV001721111.5), dbSNP rs1457906554, ClinGen allele CA406670264.

ClinVar aggregate classification (germline): Uncertain significance (1 of 4 stars; one submission).

Allele frequency attached by ClinVar (database versions not stated): gnomAD exomes below 0.00001.
gnomAD v4.1: 2 of 1,614,118 alleles (0.00012%); highest among the groups gnomAD compares: Admixed American, 0.0033%; no homozygotes.

Submission:

Labcorp Genetics (formerly Invitae), Labcorp
Classification: Uncertain significance. Last evaluated: 2022-10-17. Review status: criteria provided, single submitter. Criteria: Invitae Variant Classification Sherloc (09022015). Collection method: clinical testing. Allele origin: germline.
Comment: In summary, the available evidence is currently insufficient to determine the role of this variant in disease. Therefore, it has been classified as a Variant of Uncertain Significance. Advanced modeling of protein sequence and biophysical properties (such as structural, functional, and spatial information, amino acid conservation, physicochemical variation, residue mobility, and thermodynamic stability) has been performed at Invitae for this missense variant, however the output from this modeling did not meet the statistical confidence thresholds required to predict the impact of this variant on GRIN2D protein function. This variant has not been reported in the literature in individuals affected with GRIN2D-related conditions. This variant is present in population databases (no rsID available, gnomAD 0.003%). This sequence change replaces tyrosine, which is neutral and polar, with serine, which is neutral and polar, at codon 850 of the GRIN2D protein (p.Tyr850Ser).